The following is an entry in ClinVar:

NM_000091.5(COL4A3):c.80C>A (p.Ala27Asp)

Genes: COL4A3 (collagen type IV alpha 3 chain; plus strand), LOC129935730 (ATAC-STARR-seq lymphoblastoid silent region 12397; plus strand). Cytogenetic location: 2q36.3.
Variant type: single nucleotide variant.
Coding change: c.80C>A on transcript NM_000091.5 (MANE Select); coding-DNA position 80, C replaced by A.
Protein change: p.Ala27Asp; replaces alanine 27 with aspartic acid.
Molecular consequence: missense variant.
Genome position (GRCh38, 1-based): chr2:227,164,806, C>A. VCF-style: chr2-227164806-C-A. GRCh37 (hg19) VCF-style: chr2-228029522-C-A.
Other names: short protein forms A27D.
Identifiers: ClinVar variation 2893576 (VCV002893576.2), dbSNP rs1244132148, ClinGen allele CA350846267.

ClinVar aggregate classification (germline): Uncertain significance. Review status: criteria provided, multiple submitters, no conflicts (2 of 4 stars). 2 submissions from 2 submitters: Uncertain significance (2). Last evaluated 2025-03-27.

Conditions:
Inborn genetic diseases. Identifiers: MedGen C0950123, MeSH D030342.

Allele frequency attached by ClinVar (database versions not stated): gnomAD exomes below 0.00001.
gnomAD v4.1: 5 of 1,517,440 alleles (0.00033%); highest among the groups gnomAD compares: Non-Finnish European, 0.00044%; no homozygotes.

Submissions (2):

Ambry Genetics
Classification: Uncertain significance for Inborn genetic diseases. Last evaluated: 2025-03-27. Review status: criteria provided, single submitter. Criteria: Ambry Variant Classification Scheme 2023. Collection method: clinical testing. Allele origin: germline.

Labcorp Genetics (formerly Invitae), Labcorp
Classification: Uncertain significance. Last evaluated: 2023-12-16. Review status: criteria provided, single submitter. Criteria: Invitae Variant Classification Sherloc (09022015). Collection method: clinical testing. Allele origin: germline.
Comment: This sequence change replaces alanine, which is neutral and non-polar, with aspartic acid, which is acidic and polar, at codon 27 of the COL4A3 protein (p.Ala27Asp). The frequency data for this variant in the population databases is considered unreliable, as metrics indicate poor data quality at this position in the gnomAD database. This variant has not been reported in the literature in individuals affected with COL4A3-related conditions. Advanced modeling of protein sequence and biophysical properties (such as structural, functional, and spatial information, amino acid conservation, physicochemical variation, residue mobility, and thermodynamic stability) performed at Invitae indicates that this missense variant is not expected to disrupt COL4A3 protein function with a negative predictive value of 95%. In summary, the available evidence is currently insufficient to determine the role of this variant in disease. Therefore, it has been classified as a Variant of Uncertain Significance.